The following is an entry in ClinVar:

ClinVar aggregate classification (germline): Uncertain significance (1 of 4 stars; one submission).

Submission:

GeneDx
Classification: Uncertain significance. Last evaluated: 2025-05-24. Review status: criteria provided, single submitter. Criteria: GeneDx Variant Classification Process June 2021. Collection method: clinical testing. Allele origin: germline. Affected: yes.
Comment: Not observed at significant frequency in large population cohorts (gnomAD); Missense variants in this gene are a common cause of disease and they are underrepresented in the general population; In silico analysis supports that this missense variant has a deleterious effect on protein structure/function; Has not been previously published as pathogenic or benign to our knowledge

NM_170665.4(ATP2A2):c.2488G>C (p.Gly830Arg)

Gene: ATP2A2 (ATPase sarcoplasmic/endoplasmic reticulum Ca2+ transporting 2; plus strand). Cytogenetic location: 12q24.11.
Variant type: single nucleotide variant.
Coding change: c.2488G>C on transcript NM_170665.4 (MANE Select); coding-DNA position 2488, G replaced by C.
Protein change: p.Gly830Arg; replaces glycine 830 with arginine.
Molecular consequence: missense variant.
Genome position (GRCh38, 1-based): chr12:110,343,401, G>C. VCF-style: chr12-110343401-G-C. GRCh37 (hg19) VCF-style: chr12-110781206-G-C.
Other names: c.2383G>C, p.Gly795Arg (NM_001413013.1); c.2488G>C, p.Gly830Arg (NM_001413014.1, NM_001681.4); c.2113G>C, p.Gly705Arg (NM_001413015.1); short protein forms G705R, G795R, G830R.
Identifiers: ClinVar variation 4530762 (VCV004530762.1).
Genomic context (GRCh38, chr12:110,343,401, plus strand): 5'-CCTCCTGATCTGGACATCATGAATAAACCTCCCCGGAACCCAAAGGAACCATTGATCAGC[G>C]GGTGGCTCTTTTTCCGTTACTTGGCTATTGGCTGTGAGTACAATTTTTTTATATTACTGA-3'
Protein context (NP_733765.1, residues 820-840): PRNPKEPLIS[Gly830Arg]WLFFRYLAIG